The following is an entry in ClinVar:

NM_000535.7(PMS2):c.2479A>G (p.Met827Val)

Gene: PMS2 (PMS1 homolog 2, mismatch repair system component; minus strand). Cytogenetic location: 7p22.1.
Variant type: single nucleotide variant.
Coding change: c.2479A>G on transcript NM_000535.7 (MANE Select); coding-DNA position 2479, A replaced by G.
Protein change: p.Met827Val; replaces methionine 827 with valine.
Molecular consequence: missense variant. On other transcripts: non-coding transcript variant (1).
Genome position (GRCh38, 1-based): chr7:5,973,509, T>C on the plus strand (A>G on the coding strand, the complement: PMS2 is on the minus strand). VCF-style: chr7-5973509-T-C. GRCh37 (hg19) VCF-style: chr7-6013140-T-C.
Other names: c.2074A>G, p.Met692Val (NM_001322003.2, NM_001322004.2, NM_001322005.2); c.2323A>G, p.Met775Val (NM_001322006.2); c.2161A>G, p.Met721Val (NM_001322007.2, NM_001322008.2); c.2107A>G, p.Met703Val (NM_001322009.2); c.1918A>G, p.Met640Val (NM_001322010.2); c.1546A>G, p.Met516Val (NM_001322011.2, NM_001322012.2); c.1906A>G, p.Met636Val (NM_001322013.2); c.2512A>G, p.Met838Val (NM_001322014.2); and 1 more; short protein forms M827V, M516V, M636V, M640V, M724V, M838V, M692V, M721V.
Identifiers: ClinVar variation 232074 (VCV000232074.10), dbSNP rs876659537, ClinGen allele CA10578638.

ClinVar aggregate classification (germline): Uncertain significance. Review status: criteria provided, multiple submitters, no conflicts (2 of 4 stars). 3 submissions from 3 submitters: Uncertain significance (2). 1 of the submissions does not count toward it. Last evaluated 2025-09-22.

Conditions:
Hereditary nonpolyposis colorectal neoplasms. Identifiers: MedGen C0009405, MeSH D003123.
Hereditary cancer-predisposing syndrome. Also called: Neoplastic Syndromes, Hereditary; Tumor predisposition; Hereditary Cancer Syndrome; Hereditary neoplastic syndrome. Identifiers: Orphanet 140162, MedGen C0027672, MeSH D009386, MONDO:0015356.

Submissions (3):

Ambry Genetics
Classification: Uncertain significance for Hereditary cancer-predisposing syndrome. Last evaluated: 2025-09-22. Review status: criteria provided, single submitter. Criteria: Ambry Variant Classification Scheme 2023. Collection method: clinical testing. Allele origin: germline.
Comment: The p.M827V variant (also known as c.2479A>G), located in coding exon 15 of the PMS2 gene, results from an A to G substitution at nucleotide position 2479. The methionine at codon 827 is replaced by valine, an amino acid with highly similar properties. This amino acid position is highly conserved in available vertebrate species. In addition, this alteration is predicted to be deleterious by in silico analysis. Based on the available evidence, the clinical significance of this variant remains unclear.

Labcorp Genetics (formerly Invitae), Labcorp
Classification: Uncertain significance for Hereditary nonpolyposis colorectal neoplasms. Last evaluated: 2023-10-18. Review status: criteria provided, single submitter. Criteria: Invitae Variant Classification Sherloc (09022015). Collection method: clinical testing. Allele origin: germline.
Comment: This sequence change replaces methionine, which is neutral and non-polar, with valine, which is neutral and non-polar, at codon 827 of the PMS2 protein (p.Met827Val). The frequency data for this variant in the population databases (gnomAD) is considered unreliable due to the presence of homologous sequence, such as pseudogenes or paralogs, in the genome. This variant has not been reported in the literature in individuals affected with PMS2-related conditions. ClinVar contains an entry for this variant (Variation ID: 232074). Advanced modeling of protein sequence and biophysical properties (such as structural, functional, and spatial information, amino acid conservation, physicochemical variation, residue mobility, and thermodynamic stability) performed at Invitae indicates that this missense variant is expected to disrupt PMS2 protein function. In summary, the available evidence is currently insufficient to determine the role of this variant in disease. Therefore, it has been classified as a Variant of Uncertain Significance.

Institute for Biomarker Research, Medical Diagnostic Laboratories, L.L.C.
Classification: Uncertain significance for Hereditary cancer-predisposing syndrome. Last evaluated: 2021-09-27. Review status: no assertion criteria provided. Collection method: clinical testing. Allele origin: germline. Not counted in ClinVar's aggregate classification.